The following is an entry in ClinVar:

NM_000492.4(CFTR):c.3469-3C>A

Genes: CFTR (CF transmembrane conductance regulator; plus strand), CFTR-AS2 (CFTR antisense RNA 2; minus strand). Cytogenetic location: 7q31.2.
Variant type: single nucleotide variant.
Coding change: c.3469-3C>A on transcript NM_000492.4 (MANE Select); 3 bases into the intron before coding-DNA position 3469, C replaced by A.
Molecular consequence: intron variant.
Genome position (GRCh38, 1-based): chr7:117,627,519, C>A. VCF-style: chr7-117627519-C-A. GRCh37 (hg19) VCF-style: chr7-117267573-C-A.
Identifiers: ClinVar variation 1731705 (VCV001731705.13), dbSNP rs759944527, ClinGen allele CA4451481.
Genomic context (GRCh38, chr7:117,627,519, plus strand): 5'-TCAAACTAATTGTGAAATTGTCTGCCATTCTTAAAAACAAAAATGTTGTTATTTTTATTT[C>A]AGATGCGATCTGTGAGCCGAGTCTTTAAGTTCATTGACATGCCAACAGAAGGTAAACCTA-3'

ClinVar aggregate classification (germline): Uncertain significance. Review status: criteria provided, multiple submitters, no conflicts (2 of 4 stars). 4 submissions from 4 submitters: Uncertain significance (4). Last evaluated 2026-05-26.

Conditions:
Cystic fibrosis (CF). Also called: MUCOVISCIDOSIS. Identifiers: Orphanet 586, MedGen C0010674, MONDO:0009061, OMIM 219700. Disease mechanism: loss of function.
Congenital bilateral aplasia of vas deferens from CFTR mutation (CBAVD). Identifiers: Orphanet 48, MedGen C0403814, MONDO:0010178, OMIM 277180. Disease mechanism: loss of function.

Allele frequency attached by ClinVar (database versions not stated): gnomAD 0.00001; gnomAD exomes 0.00001; TOPMed 0.00001; ExAC 0.00003.
gnomAD v4.1: 11 of 1,612,790 alleles (0.00068%); highest among the groups gnomAD compares: East Asian, 0.025%; no homozygotes.

Submissions (4):

Women's Health and Genetics/Laboratory Corporation of America, LabCorp
Classification: Uncertain significance. Last evaluated: 2026-05-26. Review status: criteria provided, single submitter. Criteria: LabCorp Variant Classification Summary - May 2015. Collection method: clinical testing. Allele origin: germline.
Comment: Variant summary: CFTR c.3469-3C>A alters a conserved nucleotide located close to a canonical splice site and therefore could affect mRNA splicing, leading to a significantly altered protein sequence. Several computational tools predict a significant impact on normal splicing: Four predict the variant weakens a 3 acceptor site. However, these predictions have yet to be confirmed by functional studies. The variant allele was found at a frequency of 4e-05 in 250382 control chromosomes, predominantly at a frequency of 0.00055 within the East Asian subpopulation in the gnomAD database. This frequency is not significantly higher than estimated for disease-causing variants in CFTR, allowing no conclusion about variant significance. c.3469-3C>A has been observed in individuals, primarily of Chinese ancestry, affected with Congenital Bilateral Absence Of The Vas Deferens, including cases where it was reported with a pathogenic variant, however the phase was not determined/specified (Danziger_2004, Yang_2015, Luo_2021, Cheng_2022, Lu_2025, Sadeghi_2025). It has also been reported together with F508del in an individual with cystic fibrosis, but no further clinical details or genotype information was provided (Bournazos_2022). These data indicate that the variant may be associated with disease. To our knowledge, no experimental evidence demonstrating an impact on protein function has been reported. The following publications have been ascertained in the context of this evaluation (PMID: 34906502, 35119551, 14998948, 32777524, 26277102, 39532587, 40065563). ClinVar contains an entry for this variant (Variation ID: 1731705). Based on the evidence outlined above, the variant was classified as VUS-possibly pathogenic.

Labcorp Genetics (formerly Invitae), Labcorp
Classification: Uncertain significance for Cystic fibrosis. Last evaluated: 2026-01-26. Review status: criteria provided, single submitter. Criteria: Invitae Variant Classification Sherloc (09022015). Collection method: clinical testing. Allele origin: germline.
Comment: This sequence change falls in intron 21 of the CFTR gene. It does not directly change the encoded amino acid sequence of the CFTR protein. It affects a nucleotide within the consensus splice site. This variant is present in population databases (rs759944527, gnomAD 0.05%). This variant has been observed in individuals with clinical features of CFTR-related conditions (PMID: 14998948, 26277102, 32777524, 34906502). This variant is also known as 3601-3C>A. ClinVar contains an entry for this variant (Variation ID: 1731705). Variants that disrupt the consensus splice site are a relatively common cause of aberrant splicing (PMID: 17576681, 9536098). Algorithms developed to predict the effect of sequence changes on RNA splicing suggest that this variant is not likely to affect RNA splicing. In summary, the available evidence is currently insufficient to determine the role of this variant in disease. Therefore, it has been classified as a Variant of Uncertain Significance.

Ambry Genetics
Classification: Uncertain significance for Cystic fibrosis. Last evaluated: 2025-06-30. Review status: criteria provided, single submitter. Criteria: Ambry Variant Classification Scheme 2023. Collection method: clinical testing. Allele origin: germline.
Comment: The c.3469-3C>A intronic variant results from a C to A substitution 3 nucleotides upstream from coding exon 22 in the CFTR gene. This alteration was also identified in individuals with congenital absence of vas deferens (Luo S et al. Gene, 2021 Jan;765:145045). This nucleotide position is not well conserved in available vertebrate species. In silico splice site analysis for this alteration is inconclusive. Based on the available evidence, the clinical significance of this variant remains unclear.

Juno Genomics, Hangzhou Juno Genomics, Inc
Classification: Uncertain significance for Congenital bilateral aplasia of vas deferens from CFTR mutation; Cystic fibrosis. Review status: criteria provided, single submitter. Criteria: ACMG Guidelines, 2015. Collection method: clinical testing. Allele origin: germline.
Comment: Absent from controls (or at extremely low frequency if recessive) in Genome Aggregation Database.;Multiple lines of computational evidence support a deleterious effect on the gene or gene product.;For recessive disorders, detected in trans with a pathogenic variant.

Literature cited by the submitters: PubMed 14998948 (cited by Women's Health and Genetics/Laboratory Corporation of America, LabCorp and Labcorp Genetics (formerly Invitae), Labcorp); PubMed 26277102 (cited by 3 submitters); PubMed 32777524 (cited by 3 submitters); PubMed 34906502 (cited by Women's Health and Genetics/Laboratory Corporation of America, LabCorp and Labcorp Genetics (formerly Invitae), Labcorp); PubMed 35119551 (cited by Women's Health and Genetics/Laboratory Corporation of America, LabCorp); PubMed 39532587 (cited by Women's Health and Genetics/Laboratory Corporation of America, LabCorp); PubMed 40065563 (cited by Women's Health and Genetics/Laboratory Corporation of America, LabCorp); PubMed 17576681 (cited by Labcorp Genetics (formerly Invitae), Labcorp); PubMed 9536098 (cited by Labcorp Genetics (formerly Invitae), Labcorp).